The following is an entry in ClinVar:

NM_000059.4(BRCA2):c.1074G>A (p.Val358=)

Gene: BRCA2 (BRCA2 DNA repair associated; plus strand). Cytogenetic location: 13q13.1.
Variant type: single nucleotide variant.
Coding change: c.1074G>A on transcript NM_000059.4 (MANE Select); coding-DNA position 1074, G replaced by A.
Protein change: p.Val358=; no amino-acid change (valine 358 retained).
Molecular consequence: synonymous variant.
Genome position (GRCh38, 1-based): chr13:32,332,552, G>A. VCF-style: chr13-32332552-G-A. GRCh37 (hg19) VCF-style: chr13-32906689-G-A.
Identifiers: ClinVar variation 427520 (VCV000427520.19), dbSNP rs276174805, ClinGen allele CA6940487.
Genomic context (GRCh38, chr13:32,332,552, plus strand): 5'-TGATGAATGTGAAAAATCTAAAAACCAAGTGAAAGAAAAATACTCATTTGTATCTGAAGT[G>A]GAACCAAATGATACTGATCCATTAGATTCAAATGTAGCAAATCAGAAGCCCTTTGAGAGT-3'
Protein context (NP_000050.3, residues 348-368): VKEKYSFVSE[Val358=]EPNDTDPLDS

ClinVar aggregate classification (germline): Likely benign. Review status: reviewed by expert panel (3 of 4 stars). 5 submissions from 5 submitters: Likely benign (1). 4 of the submissions do not count toward it. Last evaluated 2017-06-29.

Conditions:
Hereditary cancer-predisposing syndrome. Also called: Hereditary neoplastic syndrome; Hereditary Cancer Syndrome; Neoplastic Syndromes, Hereditary; Tumor predisposition. Identifiers: Orphanet 140162, MedGen C0027672, MeSH D009386, MONDO:0015356.
Hereditary breast ovarian cancer syndrome. Also called: Hereditary breast and ovarian cancer syndrome; BRCA1- and BRCA2-Associated Hereditary Breast and Ovarian Cancer; Hereditary breast and/or ovarian cancer syndrome; Hereditary breast and ovarian cancer; Breast and ovarian cancer; Hereditary breast and ovarian cancer syndrome (HBOC). Identifiers: Orphanet 145, MedGen C0677776, MeSH D061325, MONDO:0003582. Disease mechanism: loss of function.
Breast-ovarian cancer, familial, susceptibility to, 2 (BROVCA2). Also called: BRCA2 Hereditary Breast and Ovarian Cancer. Identifiers: Orphanet 145, MedGen C2675520, MONDO:0012933, OMIM 612555. Disease mechanism: loss of function.

Allele frequency attached by ClinVar (database versions not stated): gnomAD below 0.00001 and 0.00001; gnomAD exomes below 0.00001; ExAC 0.00001.
gnomAD v4.1: 1 of 1,612,600 alleles (0.000062%); highest among the groups gnomAD compares: South Asian, 0.0011%; no homozygotes.

Submissions (5):

Evidence-based Network for the Interpretation of Germline Mutant Alleles (ENIGMA)
Classification: Likely benign for Breast-ovarian cancer, familial, susceptibility to, 2. Last evaluated: 2017-06-29. Review status: reviewed by expert panel. Criteria: ENIGMA BRCA1/2 Classification Criteria (2017-06-29). Collection method: curation. Allele origin: germline.
Comment: Synonymous substitution variant, with low bioinformatic likelihood to result in a splicing aberration (Splicing prior probability 0.02).

Labcorp Genetics (formerly Invitae), Labcorp
Classification: Likely benign for Hereditary breast ovarian cancer syndrome. Last evaluated: 2025-05-23. Review status: criteria provided, single submitter. Criteria: Invitae Variant Classification Sherloc (09022015). Collection method: clinical testing. Allele origin: germline. Not counted in ClinVar's aggregate classification.

Women's Health and Genetics/Laboratory Corporation of America, LabCorp
Classification: Likely benign. Last evaluated: 2024-12-06. Review status: criteria provided, single submitter. Criteria: LabCorp Variant Classification Summary - May 2015. Collection method: clinical testing. Allele origin: germline. Not counted in ClinVar's aggregate classification.

Ambry Genetics
Classification: Likely benign for Hereditary cancer-predisposing syndrome. Last evaluated: 2019-02-25. Review status: criteria provided, single submitter. Criteria: Ambry Variant Classification Scheme 2023. Collection method: clinical testing. Allele origin: germline. Not counted in ClinVar's aggregate classification.

Color Diagnostics, LLC DBA Color Health
Classification: Likely benign for Hereditary cancer-predisposing syndrome. Last evaluated: 2017-10-02. Review status: criteria provided, single submitter. Criteria: ACMG Guidelines, 2015. Collection method: clinical testing. Allele origin: germline. Not counted in ClinVar's aggregate classification.